The following is an entry in ClinVar:

NM_001367624.2(ZNF469):c.10613T>C (p.Ile3538Thr)

Gene: ZNF469 (zinc finger protein 469; plus strand). Cytogenetic location: 16q24.2.
Variant type: single nucleotide variant.
Coding change: c.10613T>C on transcript NM_001367624.2 (MANE Select); coding-DNA position 10613, T replaced by C.
Protein change: p.Ile3538Thr; replaces isoleucine 3538 with threonine.
Molecular consequence: missense variant.
Genome position (GRCh38, 1-based): chr16:88,438,083, T>C. VCF-style: chr16-88438083-T-C. GRCh37 (hg19) VCF-style: chr16-88504491-T-C.
Other names: NM_001127464.1:c.10529T>C; NM_001127464.2:c.10529T>C; short protein forms I3538T.
Identifiers: ClinVar variation 1194363 (VCV001194363.11), dbSNP rs797001563, ClinGen allele CA286387031.

ClinVar aggregate classification (germline): Benign/Likely benign. Review status: criteria provided, multiple submitters, no conflicts (2 of 4 stars). 5 submissions from 5 submitters: Benign (1); Likely benign (4). Last evaluated 2025-10-01.

Conditions:
Cardiovascular phenotype. Identifiers: MedGen CN230736.
ZNF469-related disorder. Also called: ZNF469-related condition.

Allele frequency attached by ClinVar (database versions not stated): gnomAD 0.00001; gnomAD exomes 0.00004 and 0.00035; TOPMed 0.00012.
gnomAD v4.1: 63 of 1,550,218 alleles (0.0041%); highest among the groups gnomAD compares: Admixed American, 0.12%; 1 homozygote.

Submissions (5):

PreventionGenetics, part of Exact Sciences
Classification: Likely benign for ZNF469-related condition. Last evaluated: 2025-10-01. Review status: criteria provided, single submitter. Criteria: ACMG Guidelines, 2015. Collection method: clinical testing. Allele origin: germline.
Comment: This variant is classified as likely benign based on ACMG/AMP sequence variant interpretation guidelines (Richards et al. 2015 PMID: 25741868, with internal and published modifications).

Labcorp Genetics (formerly Invitae), Labcorp
Classification: Benign. Last evaluated: 2025-01-30. Review status: criteria provided, single submitter. Criteria: Invitae Variant Classification Sherloc (09022015). Collection method: clinical testing. Allele origin: germline.

Women's Health and Genetics/Laboratory Corporation of America, LabCorp
Classification: Likely benign. Last evaluated: 2025-01-03. Review status: criteria provided, single submitter. Criteria: LabCorp Variant Classification Summary - May 2015. Collection method: clinical testing. Allele origin: germline.
Comment: Variant summary: ZNF469 c.10613T>C (p.Ile3538Thr) results in a non-conservative amino acid change in the encoded protein sequence. Three of four in-silico tools predict a benign effect of the variant on protein function. The variant allele was found at a frequency of 0.00035 in 153644 control chromosomes, predominantly at a frequency of 0.0021 within the Latino subpopulation in the gnomAD database, including 1 homozygotes. This frequency is approximately equal to the maximum estimated frequency for a pathogenic variant in ZNF469 causing Brittle cornea syndrome 1. To our knowledge, no occurrence of c.10613T>C in individuals affected with Brittle cornea syndrome 1 and no experimental evidence demonstrating its impact on protein function have been reported. ClinVar contains an entry for this variant (Variation ID: 1194363). Based on the evidence outlined above, the variant was classified as likely benign.

GeneDx
Classification: Likely benign. Last evaluated: 2019-11-13. Review status: criteria provided, single submitter. Criteria: GeneDx Variant Classification Process June 2021. Collection method: clinical testing. Allele origin: germline. Affected: yes.

Ambry Genetics
Classification: Likely benign for Cardiovascular phenotype. Last evaluated: 2019-11-10. Review status: criteria provided, single submitter. Criteria: Ambry Variant Classification Scheme 2023. Collection method: clinical testing. Allele origin: germline.